The following is an entry in ClinVar:

NM_000038.6(APC):c.498_502del (p.Lys167fs)

Gene: APC (APC regulator of Wnt signaling pathway; plus strand). Cytogenetic location: 5q22.2.
Variant type: Deletion.
Coding change: c.498_502del on transcript NM_000038.6 (MANE Select); coding-DNA positions 498 to 502, 5 bases deleted (TAAAA; older notation c.498_502delTAAAA).
Protein change: p.Lys167fs; shifts the reading frame from lysine 167.
Molecular consequence: frameshift variant. On other transcripts: 5 prime UTR variant (1).
Genome position (GRCh38, 1-based): chr5:112,775,704-112,775,708, TAAAA deleted. VCF-style (leftmost placement, unchanged base first): chr5-112775703-CTAAAA-C. GRCh37 (hg19) VCF-style: chr5-112111400-CTAAAA-C.
Other names: c.498_502del, p.Lys167fs (NM_001127510.3, NM_001354895.2, NM_001354896.2 and 2 more transcripts); c.528_532del, p.Lys177fs (NM_001127511.3, NM_001354897.2, NM_001354902.2); c.423_427del, p.Lys142fs (NM_001354898.2, NM_001354904.2); c.321_325del, p.Lys108fs (NM_001354900.2, NM_001354901.2, NM_001354905.2); c.-538_-534del (NM_001354906.2); c.528_532delTAAAA, p.Lys177Asnfs (NM_001407446.1); c.498_502delTAAAA, p.Lys167Asnfs (NM_001407447.1, NM_001407448.1, NM_001407449.1 and 11 more transcripts); c.423_427delTAAAA, p.Lys142Asnfs (NM_001407451.1); and 2 more; short protein forms K142fs, K167fs, K108fs, K177fs.
Identifiers: ClinVar variation 1744527 (VCV001744527.4), dbSNP rs2532415188, ClinGen allele CA2580072297.

ClinVar aggregate classification (germline): Pathogenic. Review status: criteria provided, multiple submitters, no conflicts (2 of 4 stars). 2 submissions from 2 submitters: Pathogenic (2). Last evaluated 2023-04-26.

Conditions:
Hereditary cancer-predisposing syndrome. Also called: Hereditary Cancer Syndrome; Neoplastic Syndromes, Hereditary; Tumor predisposition; Hereditary neoplastic syndrome. Identifiers: Orphanet 140162, MedGen C0027672, MeSH D009386, MONDO:0015356.
Familial adenomatous polyposis 1 (FAP1). Also called: FAMILIAL ADENOMATOUS POLYPOSIS 1, ATTENUATED; POLYPOSIS, ADENOMATOUS INTESTINAL. Identifiers: MedGen C2713442, MONDO:0021056, OMIM 175100. Disease mechanism: loss of function.

Submissions (2):

Myriad Genetics, Inc.
Classification: Pathogenic for Familial adenomatous polyposis 1. Last evaluated: 2023-04-26. Review status: criteria provided, single submitter. Criteria: Myriad Autosomal Dominant, Autosomal Recessive and X-Linked Classification Criteria (2023). Collection method: clinical testing. Allele origin: unknown.
Comment: This variant is considered pathogenic. This variant creates a frameshift predicted to result in premature protein truncation.

Ambry Genetics
Classification: Pathogenic for Hereditary cancer-predisposing syndrome. Last evaluated: 2015-12-24. Review status: criteria provided, single submitter. Criteria: Ambry Variant Classification Scheme 2023. Collection method: clinical testing. Allele origin: germline.
Comment: The c.498_502delTAAAA pathogenic mutation, located in coding exon 4 of the APC gene, results from a deletion of 5 nucleotides at positions 498 to 502, causing a translational frameshift with a predicted alternate stop codon. Since frameshifts are typically deleterious in nature, this alteration is interpreted as a disease-causing mutation (ACMG Recommendations for Standards for Interpretation and Reporting of Sequence Variations. Revision 2007. Genet Med. 2008;10:294).